The following is an entry in ClinVar:

ClinVar aggregate classification (germline): Conflicting classifications of pathogenicity. Review status: criteria provided, conflicting classifications (1 of 4 stars). 6 submissions from 6 submitters: Uncertain significance (4); Likely benign (2). Last evaluated 2024-06-04.

Conditions:
Cardiovascular phenotype. Identifiers: MedGen CN230736.
Catecholaminergic polymorphic ventricular tachycardia 1. Also called: RYR2-Related Catecholaminergic Polymorphic Ventricular Tachycardia; VENTRICULAR TACHYCARDIA, CATECHOLAMINERGIC POLYMORPHIC, 1, WITH OR WITHOUT ATRIAL DYSFUNCTION AND/OR DILATED CARDIOMYOPATHY; VENTRICULAR TACHYCARDIA, STRESS-INDUCED POLYMORPHIC 1. Identifiers: Orphanet 3286, MedGen C1631597, MONDO:0011484, OMIM 604772.
Catecholaminergic polymorphic ventricular tachycardia 5 (CARDAR). Also called: CARDIAC ARRHYTHMIA SYNDROME, WITH OR WITHOUT SKELETAL MUSCLE WEAKNESS; Ventricular tachycardia, catecholaminergic polymorphic, 5, with or without muscle weakness. Identifiers: Orphanet 3286, MedGen C3809536, MONDO:0014191, OMIM 615441.

Allele frequency attached by ClinVar (database versions not stated): ExAC 0.00004; gnomAD 0.00009 and 0.00010; gnomAD exomes 0.00011; TOPMed 0.00015; ESP Exome Variant Server 0.00017.
gnomAD v4.1: 177 of 1,613,248 alleles (0.011%); highest among the groups gnomAD compares: Admixed American, 0.025%; no homozygotes.

Submissions (6):

Ambry Genetics
Classification: Likely benign for Cardiovascular phenotype. Last evaluated: 2024-06-04. Review status: criteria provided, single submitter. Criteria: Ambry Variant Classification Scheme 2023. Collection method: clinical testing. Allele origin: germline.

Blueprint Genetics
Classification: Likely benign. Last evaluated: 2024-06-04. Review status: criteria provided, single submitter. Criteria: ACMG Guidelines, 2015. Collection method: clinical testing. Allele origin: germline.

Labcorp Genetics (formerly Invitae), Labcorp
Classification: Uncertain significance for Catecholaminergic polymorphic ventricular tachycardia 1. Last evaluated: 2024-01-22. Review status: criteria provided, single submitter. Criteria: Invitae Variant Classification Sherloc (09022015). Collection method: clinical testing. Allele origin: germline.
Comment: This sequence change replaces threonine, which is neutral and polar, with alanine, which is neutral and non-polar, at codon 243 of the TRDN protein (p.Thr243Ala). This variant is present in population databases (rs376208769, gnomAD 0.02%). This variant has not been reported in the literature in individuals affected with TRDN-related conditions. ClinVar contains an entry for this variant (Variation ID: 355219). Advanced modeling of protein sequence and biophysical properties (such as structural, functional, and spatial information, amino acid conservation, physicochemical variation, residue mobility, and thermodynamic stability) performed at Invitae indicates that this missense variant is not expected to disrupt TRDN protein function with a negative predictive value of 80%. In summary, the available evidence is currently insufficient to determine the role of this variant in disease. Therefore, it has been classified as a Variant of Uncertain Significance.

GeneDx
Classification: Uncertain significance. Last evaluated: 2023-01-30. Review status: criteria provided, single submitter. Criteria: GeneDx Variant Classification Process June 2021. Collection method: clinical testing. Allele origin: germline. Affected: yes.
Comment: Has not been previously published as pathogenic or benign to our knowledge; In silico analysis supports that this missense variant does not alter protein structure/function

Fulgent Genetics
Classification: Uncertain significance for Catecholaminergic polymorphic ventricular tachycardia 1; Catecholaminergic polymorphic ventricular tachycardia 5. Last evaluated: 2021-10-13. Review status: criteria provided, single submitter. Criteria: ACMG Guidelines, 2015. Collection method: clinical testing. Allele origin: unknown.

New York Genome Center
Classification: Uncertain significance for Catecholaminergic polymorphic ventricular tachycardia 5. Last evaluated: 2021-08-06. Review status: criteria provided, single submitter. Criteria: NYGC Assertion Criteria 2020. Collection method: clinical testing. Allele origin: germline. Observed: 1 heterozygote.

Literature cited by the submitters: PubMed 36203036 (cited by Ambry Genetics).

NM_006073.4(TRDN):c.727A>G (p.Thr243Ala)

Gene: TRDN (triadin; minus strand). Cytogenetic location: 6q22.31.
Variant type: single nucleotide variant.
Coding change: c.727A>G on transcript NM_006073.4 (MANE Select); coding-DNA position 727, A replaced by G.
Protein change: p.Thr243Ala; replaces threonine 243 with alanine.
Molecular consequence: missense variant.
Genome position (GRCh38, 1-based): chr6:123,503,785, T>C on the plus strand (A>G on the coding strand, the complement: TRDN is on the minus strand). VCF-style: chr6-123503785-T-C. GRCh37 (hg19) VCF-style: chr6-123824930-T-C.
Other names: c.727A>G, p.Thr243Ala (NM_001251987.2, NM_001256020.2, NM_001256021.2); short protein forms T243A.
Identifiers: ClinVar variation 355219 (VCV000355219.54), dbSNP rs376208769, ClinGen allele CA3984303.
Genomic context (GRCh38, chr6:123,503,785, plus strand): 5'-GTTCATGCTTTGACACAGCTGCTTTCTCTTTGTCCTCCTTTTCTTTGGGTTTTGATGGTG[T>C]TTTCTGTACTTCTTTTACTTTTGCAGCTGTTTGCTTCACTTTCTCCTGTTTTCCACCTTT-3'
Protein context (NP_006064.2, residues 233-253): TAAKVKEVQK[Thr243Ala]PSKPKEKEDK